The following is an entry in ClinVar:

NM_001394062.1(MACF1):c.20842A>G (p.Thr6948Ala)

Gene: MACF1 (microtubule actin crosslinking factor 1; plus strand). Cytogenetic location: 1p34.3.
Variant type: single nucleotide variant.
Coding change: c.20842A>G on transcript NM_001394062.1 (MANE Select); coding-DNA position 20842, A replaced by G.
Protein change: p.Thr6948Ala; replaces threonine 6948 with alanine.
Molecular consequence: missense variant.
Genome position (GRCh38, 1-based): chr1:39,453,806, A>G. VCF-style: chr1-39453806-A-G. GRCh37 (hg19) VCF-style: chr1-39919478-A-G.
Other names: c.8920A>G, p.Thr2974Ala (NM_001397473.1); c.14665A>G, p.Thr4889Ala (NM_012090.5); short protein forms T2974A, T4889A, T6948A.
Identifiers: ClinVar variation 4050327 (VCV004050327.2).
Genomic context (GRCh38, chr1:39,453,806, plus strand): 5'-AACTCAGCAGTAGCCATGGGAGAAGTCATCCTGGCTGTCTGCCACCCCGATTGCATCACA[A>G]CCATCAAACACTGGATCACCATCATCCGAGCTCGCTTCGAGGAGGTGAGTCCCTGGTTCA-3'
Protein context (NP_001380991.1, residues 6938-6958): LAVCHPDCIT[Thr6948Ala]IKHWITIIRA

ClinVar aggregate classification (germline): Conflicting classifications of pathogenicity. Review status: criteria provided, conflicting classifications (1 of 4 stars). 2 submissions from 2 submitters: Uncertain significance (1); Likely benign (1). Last evaluated 2025-06-05.

Conditions:
Inborn genetic diseases. Identifiers: MedGen C0950123, MeSH D030342.

gnomAD v4.1: 40 of 1,614,102 alleles (0.0025%); highest among the groups gnomAD compares: Admixed American, 0.01%; no homozygotes.

Submissions (2):

GeneDx
Classification: Uncertain significance. Last evaluated: 2025-06-05. Review status: criteria provided, single submitter. Criteria: GeneDx Variant Classification Process June 2021. Collection method: clinical testing. Allele origin: germline. Affected: yes.
Comment: In silico analysis supports that this missense variant has a deleterious effect on protein structure/function; Has not been previously published as pathogenic or benign to our knowledge

Ambry Genetics
Classification: Likely benign for Inborn genetic diseases. Last evaluated: 2025-05-03. Review status: criteria provided, single submitter. Criteria: Ambry Variant Classification Scheme 2023. Collection method: clinical testing. Allele origin: germline.